The following is an entry in ClinVar:

ClinVar aggregate classification (germline): Uncertain significance (1 of 4 stars; one submission).

Conditions:
ANKRD1-related dilated cardiomyopathy. Identifiers: MedGen CN119551.

Submission:

Labcorp Genetics (formerly Invitae), Labcorp
Classification: Uncertain significance for ANKRD1-related dilated cardiomyopathy. Last evaluated: 2022-08-16. Review status: criteria provided, single submitter. Criteria: Invitae Variant Classification Sherloc (09022015). Collection method: clinical testing. Allele origin: germline.
Comment: In summary, the available evidence is currently insufficient to determine the role of this variant in disease. Therefore, it has been classified as a Variant of Uncertain Significance. Algorithms developed to predict the effect of missense changes on protein structure and function (SIFT, PolyPhen-2, Align-GVGD) all suggest that this variant is likely to be disruptive. ClinVar contains an entry for this variant (Variation ID: 1373569). This variant has not been reported in the literature in individuals affected with ANKRD1-related conditions. This variant is not present in population databases (gnomAD no frequency). This sequence change replaces leucine, which is neutral and non-polar, with arginine, which is basic and polar, at codon 157 of the ANKRD1 protein (p.Leu157Arg).

NM_014391.3(ANKRD1):c.470T>G (p.Leu157Arg)

Gene: ANKRD1 (ankyrin repeat domain 1; minus strand). Cytogenetic location: 10q23.31.
Variant type: single nucleotide variant.
Coding change: c.470T>G on transcript NM_014391.3 (MANE Select); coding-DNA position 470, T replaced by G.
Protein change: p.Leu157Arg; replaces leucine 157 with arginine.
Molecular consequence: missense variant.
Genome position (GRCh38, 1-based): chr10:90,917,814, A>C on the plus strand (T>G on the coding strand, the complement: ANKRD1 is on the minus strand). VCF-style: chr10-90917814-A-C. GRCh37 (hg19) VCF-style: chr10-92677571-A-C.
Other names: short protein forms L157R.
Identifiers: ClinVar variation 1373569 (VCV001373569.6), dbSNP rs2120269071, ClinGen allele CA377551711.
Genomic context (GRCh38, chr10:90,917,814, plus strand): 5'-GCTCCAGCTTCCATTAACTTCTCCACAATTGCCAAATGTCCTTCCAAGCATGCTCTATGA[A>C]GAGCTGTCCGTTTATACTATCAGAACAGAGATTTTAAACAGAGATAGCAATAAATATAAA-3'
Protein context (NP_055206.2, residues 147-167): DVCDEYKRTA[Leu157Arg]HRACLEGHLA